The following is an entry in ClinVar:

ClinVar aggregate classification (germline): Benign/Likely benign. Review status: criteria provided, multiple submitters, no conflicts (2 of 4 stars). 3 submissions from 3 submitters: Benign (1); Likely benign (2). Last evaluated 2026-04-17.

Conditions:
PIK3R1-related disorder. Also called: PIK3R1-related condition.
Agammaglobulinemia 7, autosomal recessive (AGM7). Also called: AGAMMAGLOBULINEMIA, AUTOSOMAL RECESSIVE, DUE TO PIK3R1 DEFECT. Identifiers: MedGen C3554689, MONDO:0014083, OMIM 615214.
SHORT syndrome. Also called: PIK3R1-Related SHORT Syndrome; SHORT STATURE, HYPEREXTENSIBILITY, HERNIA, OCULAR DEPRESSION, RIEGER ANOMALY, AND TEETHING DELAY; LIPODYSTROPHY, PARTIAL, WITH RIEGER ANOMALY AND SHORT STATURE. Identifiers: Orphanet 3163, MedGen C0878684, MONDO:0010026, OMIM 269880.
Immunodeficiency 36 with lymphoproliferation. Also called: ACTIVATED PI3K-DELTA SYNDROME 2; Immunodeficiency 36; Activated PI3K Delta Syndrome Type 2 (APDS2). Identifiers: Orphanet 397596, Orphanet 693681, MedGen C4014934, MONDO:0014453, OMIM 616005.

Allele frequency attached by ClinVar (database versions not stated): gnomAD 0.00001 and 0.00032; TOPMed 0.00004; gnomAD exomes 0.00053 and 0.00108; ExAC 0.00115; 1000 Genomes Project 30x 0.00156; 1000 Genomes Project 0.00180.
gnomAD v4.1: 824 of 1,614,084 alleles (0.051%); highest among the groups gnomAD compares: South Asian, 0.86%; 8 homozygotes.

Submissions (3):

PreventionGenetics, part of Exact Sciences
Classification: Likely benign for PIK3R1-related condition. Last evaluated: 2026-04-17. Review status: criteria provided, single submitter. Criteria: ACMG Guidelines, 2015. Collection method: clinical testing. Allele origin: germline.
Comment: This variant is classified as likely benign based on ACMG/AMP sequence variant interpretation guidelines (Richards et al. 2015 PMID: 25741868, with internal and published modifications).

Labcorp Genetics (formerly Invitae), Labcorp
Classification: Benign for SHORT syndrome; Immunodeficiency 36 with lymphoproliferation; Agammaglobulinemia 7, autosomal recessive. Last evaluated: 2025-12-24. Review status: criteria provided, single submitter. Criteria: Invitae Variant Classification Sherloc (09022015). Collection method: clinical testing. Allele origin: germline.

Blueprint Genetics
Classification: Likely benign. Last evaluated: 2024-11-21. Review status: criteria provided, single submitter. Criteria: ACMG Guidelines, 2015. Collection method: clinical testing. Allele origin: germline.

NM_181523.3(PIK3R1):c.571C>T (p.Leu191=)

Gene: PIK3R1 (phosphoinositide-3-kinase regulatory subunit 1; plus strand). Cytogenetic location: 5q13.1.
Variant type: single nucleotide variant.
Coding change: c.571C>T on transcript NM_181523.3 (MANE Select); coding-DNA position 571, C replaced by T.
Protein change: p.Leu191=; no amino-acid change (leucine 191 retained).
Molecular consequence: synonymous variant.
Genome position (GRCh38, 1-based): chr5:68,279,670, C>T. VCF-style: chr5-68279670-C-T. GRCh37 (hg19) VCF-style: chr5-67575498-C-T.
Identifiers: ClinVar variation 463165 (VCV000463165.14), dbSNP rs533077843, ClinGen allele CA3290078.